The following is an entry in ClinVar:

NM_000368.5(TSC1):c.1443A>G (p.Ala481=)

Gene: TSC1 (TSC complex subunit 1; minus strand). Cytogenetic location: 9q34.13.
Variant type: single nucleotide variant.
Coding change: c.1443A>G on transcript NM_000368.5 (MANE Select); coding-DNA position 1443, A replaced by G.
Protein change: p.Ala481=; no amino-acid change (alanine 481 retained).
Molecular consequence: synonymous variant.
Genome position (GRCh38, 1-based): chr9:132,906,135, T>C on the plus strand (A>G on the coding strand, the complement: TSC1 is on the minus strand). VCF-style: chr9-132906135-T-C. GRCh37 (hg19) VCF-style: chr9-135781522-T-C.
Other names: c.1080A>G, p.Ala360= (NM_001362177.2); c.1440A>G, p.Ala480= (NM_001162426.2); c.1290A>G, p.Ala430= (NM_001162427.2).
Identifiers: ClinVar variation 534487 (VCV000534487.11), dbSNP rs1554816081, ClinGen allele CA467591228.

ClinVar aggregate classification (germline): Benign/Likely benign. Review status: criteria provided, multiple submitters, no conflicts (2 of 4 stars). 3 submissions from 3 submitters: Benign (1); Likely benign (2). Last evaluated 2025-04-09.

Conditions:
Hereditary cancer-predisposing syndrome. Also called: Neoplastic Syndromes, Hereditary; Hereditary neoplastic syndrome; Tumor predisposition; Hereditary Cancer Syndrome. Identifiers: Orphanet 140162, MedGen C0027672, MeSH D009386, MONDO:0015356.
Tuberous sclerosis 1 (TSC1). Identifiers: Orphanet 805, MedGen C1854465, MONDO:0008612, OMIM 191100.

Submissions (3):

Myriad Genetics, Inc.
Classification: Benign for Tuberous sclerosis 1. Last evaluated: 2025-04-09. Review status: criteria provided, single submitter. Criteria: Myriad Autosomal Dominant, Autosomal Recessive and X-Linked Classification Criteria (2023). Collection method: clinical testing. Allele origin: unknown.
Comment: This variant is considered benign. This variant is a silent/synonymous amino acid change and it is not expected to impact splicing.

Labcorp Genetics (formerly Invitae), Labcorp
Classification: Likely benign for Tuberous sclerosis 1. Last evaluated: 2024-01-19. Review status: criteria provided, single submitter. Criteria: Invitae Variant Classification Sherloc (09022015). Collection method: clinical testing. Allele origin: germline.

Ambry Genetics
Classification: Likely benign for Hereditary cancer-predisposing syndrome. Last evaluated: 2023-03-05. Review status: criteria provided, single submitter. Criteria: Ambry Variant Classification Scheme 2023. Collection method: clinical testing. Allele origin: germline.